The following is an entry in ClinVar:

NM_177438.3(DICER1):c.5680G>A (p.Gly1894Ser)

Gene: DICER1 (dicer 1, ribonuclease III; minus strand). Cytogenetic location: 14q32.13.
Variant type: single nucleotide variant.
Coding change: c.5680G>A on transcript NM_177438.3 (MANE Select); coding-DNA position 5680, G replaced by A.
Protein change: p.Gly1894Ser; replaces glycine 1894 with serine.
Molecular consequence: missense variant. On other transcripts: 3 prime UTR variant (1).
Genome position (GRCh38, 1-based): chr14:95,090,587, C>T on the plus strand (G>A on the coding strand, the complement: DICER1 is on the minus strand). VCF-style: chr14-95090587-C-T. GRCh37 (hg19) VCF-style: chr14-95556924-C-T.
Other names: c.*27G>A (NM_001195573.1); c.5680G>A, p.Gly1894Ser (NM_001271282.3, NM_001291628.2, NM_030621.4); c.5680G>A (NM_177438.2); short protein forms G1894S.
Identifiers: ClinVar variation 1471671 (VCV001471671.10), dbSNP rs2139766318, ClinGen allele CA390863276.
Genomic context (GRCh38, chr14:95,090,587, plus strand): 5'-CTTTGAGGCTTCGGAGGGCTCTTCTTGCTGCTGCAGATTTGGCAATCCTGTAACTTCGAC[C>T]AACACCTTTAAATTTCCCCTTTCCTACTACTTCCACAGTGACTCTGACCTTCCCGTCGTA-3'
Protein context (NP_803187.1, residues 1884-1904): VVGKGKFKGV[Gly1894Ser]RSYRIAKSAA

ClinVar aggregate classification (germline): Uncertain significance. Review status: criteria provided, multiple submitters, no conflicts (2 of 4 stars). 2 submissions from 2 submitters: Uncertain significance (2). Last evaluated 2024-04-24.

Conditions:
DICER1-related tumor predisposition. Also called: DICER1-related pleuropulmonary blastoma cancer predisposition syndrome; DICER1 syndrome. Identifiers: Orphanet 284343, MedGen C3839822, MONDO:0100216.
Hereditary cancer-predisposing syndrome. Also called: Hereditary neoplastic syndrome; Tumor predisposition; Neoplastic Syndromes, Hereditary; Hereditary Cancer Syndrome. Identifiers: Orphanet 140162, MedGen C0027672, MeSH D009386, MONDO:0015356.

Submissions (2):

Ambry Genetics
Classification: Uncertain significance for Hereditary cancer-predisposing syndrome. Last evaluated: 2024-04-24. Review status: criteria provided, single submitter. Criteria: Ambry Variant Classification Scheme 2023. Collection method: clinical testing. Allele origin: germline.
Comment: The p.G1894S variant (also known as c.5680G>A), located in coding exon 26 of the DICER1 gene, results from a G to A substitution at nucleotide position 5680. The glycine at codon 1894 is replaced by serine, an amino acid with similar properties. This amino acid position is conserved. In addition, this alteration is predicted to be deleterious by in silico analysis. Based on the available evidence, the clinical significance of this variant remains unclear.

Labcorp Genetics (formerly Invitae), Labcorp
Classification: Uncertain significance for DICER1-related tumor predisposition. Last evaluated: 2021-05-16. Review status: criteria provided, single submitter. Criteria: Invitae Variant Classification Sherloc (09022015). Collection method: clinical testing. Allele origin: germline.
Comment: In summary, the available evidence is currently insufficient to determine the role of this variant in disease. Therefore, it has been classified as a Variant of Uncertain Significance. Algorithms developed to predict the effect of missense changes on protein structure and function (SIFT, PolyPhen-2, Align-GVGD) all suggest that this variant is likely to be disruptive, but these predictions have not been confirmed by published functional studies and their clinical significance is uncertain. This variant has not been reported in the literature in individuals with DICER1-related conditions. This variant is not present in population databases (ExAC no frequency). This sequence change replaces glycine with serine at codon 1894 of the DICER1 protein (p.Gly1894Ser). The glycine residue is highly conserved and there is a small physicochemical difference between glycine and serine.